The following is an entry in ClinVar:

NM_194248.3(OTOF):c.2122C>T (p.Arg708Ter)

Gene: OTOF (otoferlin; minus strand). Cytogenetic location: 2p23.3.
Variant type: single nucleotide variant.
Coding change: c.2122C>T on transcript NM_194248.3 (MANE Select); coding-DNA position 2122, C replaced by T.
Protein change: p.Arg708Ter; replaces arginine 708 with a stop codon.
Molecular consequence: nonsense.
Genome position (GRCh38, 1-based): chr2:26,479,356, G>A on the plus strand (C>T on the coding strand, the complement: OTOF is on the minus strand). VCF-style: chr2-26479356-G-A. GRCh37 (hg19) VCF-style: chr2-26702224-G-A.
Other names: NM_194248.3(OTOF):c.2122C>T; p.Arg708Ter; c.2122C>T, p.Arg708Ter (NM_001287489.2); short protein forms R708*.
Identifiers: ClinVar variation 21831 (VCV000021831.27), dbSNP rs80356590, ClinGen allele CA342562.

ClinVar aggregate classification (germline): Pathogenic. Review status: reviewed by expert panel (3 of 4 stars). 12 submissions from 12 submitters: Pathogenic (1). 11 of the submissions do not count toward it. Last evaluated 2021-03-23.

Conditions:
OTOF-related disorder. Also called: OTOF-related condition.
Rare genetic deafness. Identifiers: Orphanet 96210, MedGen C5680250.
Nonsyndromic genetic hearing loss. Also called: Nonsyndromic genetic deafness; Non-syndromic genetic deafness; Nonsyndromic hearing loss and deafness. Identifiers: Orphanet 87884, MedGen C5680182, MONDO:0019497.
Hearing loss, autosomal recessive. Also called: Nonsyndromic Hearing Loss, Recessive; Deafness, autosomal recessive; Autosomal recessive nonsyndromic deafness; Rare autosomal recessive non-syndromic sensorineural deafness type DFNB. Identifiers: Orphanet 90635, Orphanet 90636, MedGen C1846647, MONDO:0019588, OMIM 607197.
Autosomal recessive nonsyndromic hearing loss 9. Also called: OTOF-Related Hearing Loss; AUDITORY NEUROPATHY, AUTOSOMAL RECESSIVE, 1, TEMPERATURE-SENSITIVE; Deafness, autosomal recessive 9; NEUROSENSORY NONSYNDROMIC RECESSIVE DEAFNESS 9. Identifiers: Orphanet 90636, MedGen C1832828, MONDO:0010986, OMIM 601071.

Allele frequency attached by ClinVar (database versions not stated): TOPMed 0.00005; ESP Exome Variant Server 0.00015.
gnomAD v4.1: 63 of 1,612,690 alleles (0.0039%); highest among the groups gnomAD compares: Middle Eastern, 0.016%; no homozygotes.

Submissions (12):

ClinGen Hearing Loss Variant Curation Expert Panel
Classification: Pathogenic for Nonsyndromic genetic hearing loss. Last evaluated: 2021-03-23. Review status: reviewed by expert panel. Criteria: clingen hl acmg specifications otof myo15a v1. Collection method: curation. Allele origin: germline. Inheritance: Autosomal recessive inheritance.
Comment: The c.2122C>T (p.Arg708Ter) variant in OTOF has been reported in reported in at least 11 individuals with autosomal recessive nonsyndromic hearing loss, including 2 probands who were compound heterozygous for a second nonsense variant in OTOF (confirmed in trans in one of these cases) and 9 homozygous probands, and segregated with disease in at least 17 affected family members from 7 families (PM3_Strong, PP1_Strong; PMID: 14635104, 18381613, 26029705, 29434063, 19250381; Partners Laboratory for Molecular Medicine unpublished data, ClinVar SCV000065176.6). It has also been identified in 0.0162% (4/24,692) of African/African-American alleles in gnomAD v2. The p.Arg708Ter variant in OTOF is predicted to cause a premature stop codon in biologically-relevant-exon 18/46 (NM_001287489) that leads to a truncated or absent protein in a gene in which loss-of-function is an established mechanism (PVS1; PMID: 30192042). At least one patient with this variant displayed features of auditory neuropathy spectrum disorder, which is highly specific for OTOF (PP4; Partners Laboratory for Molecular Medicine unpublished data, ClinVar SCV000065176.6). In summary, the p.Arg708Ter variant in OTOF meets criteria to be classified as pathogenic for autosomal recessive nonsyndromic hearing loss based on the ACMG/AMP criteria applied, as specified by the Hearing Loss Expert Panel: PVS1, PM3_Strong, PP1_Strong, PP4.

GeneDx
Classification: Pathogenic. Last evaluated: 2025-03-17. Review status: criteria provided, single submitter. Criteria: GeneDx Variant Classification Process June 2021. Collection method: clinical testing. Allele origin: germline. Affected: yes. Not counted in ClinVar's aggregate classification.
Comment: Nonsense variant predicted to result in protein truncation or nonsense mediated decay in a gene for which loss of function is a known mechanism of disease; Classified as pathogenic by the ClinGen Hearing Loss Variant Curation Expert Panel (SCV002512133.1; PMID: 30311386); This variant is associated with the following publications: (PMID: 16097006, 25525159, 22906306, 14635104, 34113375, 20301429, 30303587, 18381613, 31345219, 36147510, 31992338, 19250381, 26029705, 29434063, 26186295)

Labcorp Genetics (formerly Invitae), Labcorp
Classification: Pathogenic. Last evaluated: 2024-03-27. Review status: criteria provided, single submitter. Criteria: Invitae Variant Classification Sherloc (09022015). Collection method: clinical testing. Allele origin: germline. Not counted in ClinVar's aggregate classification.
Comment: This sequence change creates a premature translational stop signal (p.Arg708*) in the OTOF gene. It is expected to result in an absent or disrupted protein product. Loss-of-function variants in OTOF are known to be pathogenic (PMID: 18381613, 19250381, 22575033). This variant is present in population databases (rs80356590, gnomAD 0.01%). This premature translational stop signal has been observed in individual(s) with nonsyndromic deafness (PMID: 34113375). ClinVar contains an entry for this variant (Variation ID: 21831). For these reasons, this variant has been classified as Pathogenic.

Molecular Genetics, Royal Melbourne Hospital
Classification: Pathogenic for Autosomal recessive nonsyndromic hearing loss 9. Last evaluated: 2020-11-30. Review status: criteria provided, single submitter. Criteria: ACMG Guidelines, 2015. Collection method: clinical testing. Allele origin: germline. Affected: yes. Not counted in ClinVar's aggregate classification.
Comment: This sequence change creates a premature termination codon at position 708 in exon 18 (of 47) of OTOF (p.(Arg708*)). It is expected to result in nonsense mediated decay, where loss of function is a well-established mechanism of disease for this gene (ClinGen). The variant is present in a large population cohort at a frequency of 0.002% (rs80356590, 7/280,138 alleles, 0 homozygotes in gnomAD v2.1.1). The variant has been identified in both the homozygous state and compound heterozygous with a second pathogenic allele in multiple individuals with either prelingual nonsyndromic hearing loss or auditory neuropathy, and segregates with disease in multiple families (PMID: 14635104, 19250381). Based on the classification scheme RMH Modified ACMG Guidelines v1.3.1, this variant is classified as PATHOGENIC. Following criteria are met: PVS1, PM3_Strong, PP1_Strong, PM2_Supporting.

Blueprint Genetics
Classification: Pathogenic for OTOF-related disorders. Last evaluated: 2020-07-02. Review status: criteria provided, single submitter. Criteria: ACMG Guidelines, 2015. Collection method: clinical testing. Allele origin: germline. Affected: yes. Observed: 1 variant allele. Not counted in ClinVar's aggregate classification.

Laboratory for Molecular Medicine, Mass General Brigham Personalized Medicine
Classification: Pathogenic for Rare genetic deafness. Last evaluated: 2012-03-26. Review status: criteria provided, single submitter. Criteria: LMM Criteria. Collection method: clinical testing. Allele origin: germline. Inheritance: Autosomal recessive inheritance. Observed: 3 variant alleles. Not counted in ClinVar's aggregate classification.
Comment: The Arg708X variant in OTOF has been reported in 3 individuals with hearing loss and segregated with disease in six affected family members (Choi 2009, Rodrigue z-Ballesteros 2003). This nonsense variant leads to a premature termination codo n at position 708, which is predicted to lead to a truncated or absent protein. In summary, this variant meets our criteria to be classified as pathogenic.

3billion
Classification: Pathogenic for Autosomal recessive nonsyndromic hearing loss 9. Review status: criteria provided, single submitter. Criteria: ACMG Guidelines, 2015. Collection method: clinical testing. Allele origin: unknown. Affected: yes. Observed: 1 homozygote. Not counted in ClinVar's aggregate classification.
Comment: The homozygous variant is observed at an extremely low frequency in the gnomAD v2.1.1 dataset (total allele frequency: 0.004%). The variant is predicted to result in a loss or disruption of normal protein function through nonsense-mediated decay (NMD) or protein truncation. Multiple pathogenic variants are reported downstream of the variant. The variant has been reported multiple times as an established pathogenic variant (ClinVar ID: VCV000021831 / PMID: 14635104). Therefore, this variant is classified as Pathogenic according to the recommendation of ACMG/AMP guideline.

Diagnosis and Treatment Center of Genetic Hearing Loss, Eye & ENT Hospital of Fudan University
Classification: Pathogenic for Autosomal recessive nonsyndromic hearing loss 9. Last evaluated: 2026-02-04. Review status: no assertion criteria provided. Collection method: clinical testing. Allele origin: germline. Inheritance: Autosomal recessive inheritance. Affected: yes. Not counted in ClinVar's aggregate classification.
Comment: The c.2122C>T nonsense variant in OTOF leads to a premature stop codon and predicted NMD (PVS1). It is absent from population databases (PM2_Supporting). The phenotype is consistent with auditory neuropathy (PP4).

PreventionGenetics, part of Exact Sciences
Classification: Pathogenic for OTOF-related condition. Last evaluated: 2024-02-20. Review status: no assertion criteria provided. Collection method: clinical testing. Allele origin: germline. Not counted in ClinVar's aggregate classification.
Comment: The OTOF c.2122C>T variant is predicted to result in premature protein termination (p.Arg708*). This variant was reported in two individuals with deafness, non-syndromic (Rodriguez-Ballesteros et al 2003. PubMed ID: 14635104; Fareed et al. 2021. PubMed ID: 34113375). This variant is reported in 0.016% of alleles in individuals of African descent in gnomAD. Nonsense variants in OTOF are expected to be pathogenic. This variant is interpreted as pathogenic.

Indian Institute of Integrative Medicine, Council of Scientific and Industrial Research
Classification: Pathogenic for Autosomal recessive nonsyndromic hearing loss 9. Last evaluated: 2020-02-15. Review status: no assertion criteria provided. Collection method: research. Allele origin: germline. Inheritance: Autosomal recessive inheritance. Affected: yes. Observed: 5 variant alleles. Not counted in ClinVar's aggregate classification.
Comment: Candidate homozygous variant segregating well with the disease phenotype

The OTOF:c.2122C>T (rs80356590) variant was observed in 5 individuals, the homozygous condition of the candidate variant in two individuals well segregated with the disease phenotype (i.e., prelingual non-syndromic hearing loss). Three individuals were found to be carriers (heterozygous normal).

GeneReviews
No classification provided. Condition: Autosomal recessive nonsyndromic hearing loss 9. Review status: no classification provided. Collection method: literature only. Allele origin: unknown. Not counted in ClinVar's aggregate classification.

University of Washington Center for Mendelian Genomics, University of Washington
Classification: Likely pathogenic for non-syndromic autosomal recessive hearing loss. Review status: no assertion criteria provided. Collection method: research. Allele origin: inherited. Affected: yes. Not counted in ClinVar's aggregate classification.

Literature cited by the submitters: PubMed 18381613 (cited by Labcorp Genetics (formerly Invitae), Labcorp); PubMed 19250381 (cited by 3 submitters); PubMed 22575033 (cited by Labcorp Genetics (formerly Invitae), Labcorp); PubMed 34113375 (cited by Labcorp Genetics (formerly Invitae), Labcorp); PubMed 14635104 (cited by 4 submitters); PMC 8185570 (cited by Indian Institute of Integrative Medicine, Council of Scientific and Industrial Research); PubMed 20301429 (cited by GeneReviews); NCBI Bookshelf NBK1251 (cited by GeneReviews); PubMed 30303587 (cited by University of Washington Center for Mendelian Genomics, University of Washington).